The following is an entry in ClinVar:

ClinVar aggregate classification (germline): Uncertain significance. Review status: criteria provided, multiple submitters, no conflicts (2 of 4 stars). 5 submissions from 5 submitters: Uncertain significance (4). 1 of the submissions does not count toward it. Last evaluated 2024-11-18.

Conditions:
Anauxetic dysplasia. Identifiers: Orphanet 93347, MedGen C1846796, MONDO:0011773.
Anauxetic dysplasia 1 (ANXD1). Also called: Anauxetic Dysplasia (AD). Identifiers: Orphanet 93347, MedGen C4551965, MONDO:0054560, OMIM 607095.
Metaphyseal chondrodysplasia, McKusick type (CHH). Also called: Cartilage-hair hypoplasia; Cartilage-Hair Hypoplasia (CHH). Identifiers: Orphanet 175, MedGen C0220748, MONDO:0009595, OMIM 250250.
Metaphyseal dysplasia without hypotrichosis. Also called: CARTILAGE-HAIR HYPOPLASIA VARIANT, SKELETAL MANIFESTATIONS ONLY; CARTILAGE-HAIR HYPOPLASIA-LIKE SKELETAL DYSPLASIA WITHOUT HYPOTRICHOSIS OR IMMUNODEFICIENCY; Metaphyseal Dysplasia without Hypotrichosis (MDWH). Identifiers: MedGen C1834821, MONDO:0009601, OMIM 250460.
Cartilage-hair hypoplasia-anauxetic dysplasia spectrum disorders. Identifiers: MedGen CN118832.

Allele frequency attached by ClinVar (database versions not stated): ExAC 0.00011; gnomAD 0.00019; 1000 Genomes Project 30x 0.00031.
gnomAD v4.1: 277 of 690,120 alleles (0.04%); highest among the groups gnomAD compares: Non-Finnish European, 0.06%; no homozygotes.

Submissions (5):

Women's Health and Genetics/Laboratory Corporation of America, LabCorp
Classification: Uncertain significance. Last evaluated: 2024-11-18. Review status: criteria provided, single submitter. Criteria: LabCorp Variant Classification Summary - May 2015. Collection method: clinical testing. Allele origin: germline.
Comment: Variant summary: RMRP n.1G>A (also known as NC_000009.11: chr9:g.35658015C>T) alters a nucleotide in the non-coding RNA. The variant allele was found at a frequency of 0.00027 in 127922 control chromosomes, predominantly at a frequency of 0.00062 within the Non-Finnish European subpopulation in the gnomAD database. This frequency is somewhat lower than the estimated maximum for a pathogenic variant in RMRP causing Cartilage-Hair Hypoplasia (0.0072), allowing no clear conclusions about variant significance. To our knowledge, no occurrence of n.1G>A in individuals affected with Cartilage-Hair Hypoplasia and no experimental evidence demonstrating its impact on protein function have been reported. ClinVar contains an entry for this variant (Variation ID: 533765). Based on the evidence outlined above, the variant was classified as uncertain significance.

Blueprint Genetics
Classification: Uncertain significance. Last evaluated: 2024-11-08. Review status: criteria provided, single submitter. Criteria: ACMG Guidelines, 2015. Collection method: clinical testing. Allele origin: germline.

Labcorp Genetics (formerly Invitae), Labcorp
Classification: Uncertain significance for Anauxetic dysplasia. Last evaluated: 2022-10-27. Review status: criteria provided, single submitter. Criteria: Invitae Variant Classification Sherloc (09022015). Collection method: clinical testing. Allele origin: germline.
Comment: This variant occurs in the RMRP gene, which encodes an RNA molecule that does not result in a protein product. This variant is present in population databases (rs773520232, gnomAD 0.06%). This variant has not been reported in the literature in individuals affected with RMRP-related conditions. ClinVar contains an entry for this variant (Variation ID: 533765). Experimental studies and prediction algorithms are not available or were not evaluated, and the functional significance of this variant is currently unknown. Algorithms developed to predict the effect of sequence changes on RNA splicing suggest that this variant may disrupt the consensus splice site. In summary, the available evidence is currently insufficient to determine the role of this variant in disease. Therefore, it has been classified as a Variant of Uncertain Significance.

Fulgent Genetics
Classification: Uncertain significance for Metaphyseal chondrodysplasia, McKusick type; Metaphyseal dysplasia without hypotrichosis; Anauxetic dysplasia 1. Last evaluated: 2021-12-20. Review status: criteria provided, single submitter. Criteria: ACMG Guidelines, 2015. Collection method: clinical testing. Allele origin: unknown.

Natera, Inc.
Classification: Uncertain significance for Cartilage-hair hypoplasia. Last evaluated: 2019-11-11. Review status: no assertion criteria provided. Collection method: clinical testing. Allele origin: germline. Not counted in ClinVar's aggregate classification.

NR_003051.4(RMRP):n.2G>A

Gene: RMRP (RNA component of mitochondrial RNA processing endoribonuclease; minus strand). Cytogenetic location: 9p13.3.
Variant type: single nucleotide variant.
Genome position: GRCh38 VCF-style: chr9-35658018-C-T. GRCh37 (hg19) VCF-style: chr9-35658015-C-T.
Identifiers: ClinVar variation 533765 (VCV000533765.11), dbSNP rs773520232, ClinGen allele CA5045874.